The following is an entry in ClinVar:

ClinVar aggregate classification (germline): Uncertain significance. Review status: criteria provided, multiple submitters, no conflicts (2 of 4 stars). 3 submissions from 3 submitters: Uncertain significance (3). Last evaluated 2025-10-16.

Allele frequency attached by ClinVar (database versions not stated): gnomAD exomes 0.00004 and 0.00013; TOPMed 0.00005; gnomAD 0.00006; ExAC 0.00007; ESP Exome Variant Server 0.00023.
gnomAD v4.1: 201 of 1,613,656 alleles (0.012%); highest among the groups gnomAD compares: Non-Finnish European, 0.016%; no homozygotes.

Submissions (3):

Labcorp Genetics (formerly Invitae), Labcorp
Classification: Uncertain significance. Last evaluated: 2025-10-16. Review status: criteria provided, single submitter. Criteria: Invitae Variant Classification Sherloc (09022015). Collection method: clinical testing. Allele origin: germline.
Comment: This sequence change replaces tyrosine, which is neutral and polar, with histidine, which is basic and polar, at codon 345 of the TNFAIP3 protein (p.Tyr345His). This variant is present in population databases (rs371548901, gnomAD 0.008%). This variant has not been reported in the literature in individuals affected with TNFAIP3-related conditions. This missense change has been observed in at least one individual who was not affected with TNFAIP3-related conditions (internal data). ClinVar contains an entry for this variant (Variation ID: 809999). Invitae Evidence Modeling of protein sequence and biophysical properties (such as structural, functional, and spatial information, amino acid conservation, physicochemical variation, residue mobility, and thermodynamic stability) has been performed for this missense variant. However, the output from this modeling did not meet the statistical confidence thresholds required to predict the impact of this variant on TNFAIP3 protein function. Experimental studies have shown that this missense change affects TNFAIP3 function (external communication). In summary, the available evidence is currently insufficient to determine the role of this variant in disease. Therefore, it has been classified as a Variant of Uncertain Significance.

GeneDx
Classification: Uncertain significance. Last evaluated: 2025-03-19. Review status: criteria provided, single submitter. Criteria: GeneDx Variant Classification Process June 2021. Collection method: clinical testing. Allele origin: germline. Affected: yes.
Comment: In silico analysis indicates that this missense variant does not alter protein structure/function; Has not been previously published as pathogenic or benign to our knowledge

CeGaT Center for Human Genetics Tuebingen
Classification: Uncertain significance. Last evaluated: 2018-12-01. Review status: criteria provided, single submitter. Criteria: CeGaT Center For Human Genetics Tuebingen Variant Classification Criteria Version 2. Collection method: clinical testing. Allele origin: germline. Affected: yes. Observed: 1 variant allele.

NM_001270508.2(TNFAIP3):c.1033T>C (p.Tyr345His)

Gene: TNFAIP3 (TNF alpha induced protein 3; plus strand). Cytogenetic location: 6q23.3.
Variant type: single nucleotide variant.
Coding change: c.1033T>C on transcript NM_001270508.2 (MANE Select); coding-DNA position 1033, T replaced by C.
Protein change: p.Tyr345His; replaces tyrosine 345 with histidine.
Molecular consequence: missense variant.
Genome position (GRCh38, 1-based): chr6:137,878,478, T>C. VCF-style: chr6-137878478-T-C. GRCh37 (hg19) VCF-style: chr6-138199615-T-C.
Other names: c.1033T>C, p.Tyr345His (NM_001270507.2, NM_006290.4); c.1033T>C (NM_006290.3); short protein forms Y345H.
Identifiers: ClinVar variation 809999 (VCV000809999.48), dbSNP rs371548901, ClinGen allele CA4019564.